The following is an entry in ClinVar:

ClinVar aggregate classification (germline): Uncertain significance (1 of 4 stars; one submission).

Conditions:
Macrocephaly-developmental delay syndrome (MRT41). Also called: INTELLECTUAL DEVELOPMENTAL DISORDER, AUTOSOMAL RECESSIVE 41. Identifiers: Orphanet 397612, MedGen C3810225, MONDO:0014289, OMIM 615637.

Submission:

Labcorp Genetics (formerly Invitae), Labcorp
Classification: Uncertain significance for Macrocephaly-developmental delay syndrome. Last evaluated: 2023-08-30. Review status: criteria provided, single submitter. Criteria: Invitae Variant Classification Sherloc (09022015). Collection method: clinical testing. Allele origin: germline.
Comment: In summary, the available evidence is currently insufficient to determine the role of this variant in disease. Therefore, it has been classified as a Variant of Uncertain Significance. Advanced modeling of protein sequence and biophysical properties (such as structural, functional, and spatial information, amino acid conservation, physicochemical variation, residue mobility, and thermodynamic stability) performed at Invitae indicates that this missense variant is expected to disrupt KPTN protein function. ClinVar contains an entry for this variant (Variation ID: 1483810). This variant has not been reported in the literature in individuals affected with KPTN-related conditions. This variant is not present in population databases (gnomAD no frequency). This sequence change replaces glycine, which is neutral and non-polar, with valine, which is neutral and non-polar, at codon 224 of the KPTN protein (p.Gly224Val).

NM_007059.4(KPTN):c.671G>T (p.Gly224Val)

Gene: KPTN (kaptin, actin binding protein; minus strand). Cytogenetic location: 19q13.32.
Variant type: single nucleotide variant.
Coding change: c.671G>T on transcript NM_007059.4 (MANE Select); coding-DNA position 671, G replaced by T.
Protein change: p.Gly224Val; replaces glycine 224 with valine.
Molecular consequence: missense variant. On other transcripts: non-coding transcript variant (1).
Genome position (GRCh38, 1-based): chr19:47,480,336, C>A on the plus strand (G>T on the coding strand, the complement: KPTN is on the minus strand). VCF-style: chr19-47480336-C-A. GRCh37 (hg19) VCF-style: chr19-47983593-C-A.
Other names: c.503G>T, p.Gly168Val (NM_001291296.2); short protein forms G224V, G168V.
Identifiers: ClinVar variation 1483810 (VCV001483810.8), dbSNP rs1226640978, ClinGen allele CA406603454.